The following is an entry in ClinVar:

ClinVar aggregate classification (germline): Likely benign. Review status: criteria provided, multiple submitters, no conflicts (2 of 4 stars). 4 submissions from 4 submitters: Likely benign (3). 1 of the submissions does not count toward it. Last evaluated 2026-01-25.

Conditions:
EYS-related disorder. Also called: EYS-related condition.
Retinitis pigmentosa 25 (RP25). Identifiers: Orphanet 791, MedGen C1864446, MONDO:0011272, OMIM 602772.

Allele frequency attached by ClinVar (database versions not stated): gnomAD exomes 0.00008 and 0.00019; ESP Exome Variant Server 0.00032; ExAC 0.00051; gnomAD 0.00089 and 0.00096; 1000 Genomes Project 0.00060; 1000 Genomes Project 30x 0.00062; TOPMed 0.00110.
gnomAD v4.1: 247 of 1,548,686 alleles (0.016%); highest among the groups gnomAD compares: African/African-American, 0.27%; 2 homozygotes.

Submissions (4):

Labcorp Genetics (formerly Invitae), Labcorp
Classification: Likely benign. Last evaluated: 2026-01-25. Review status: criteria provided, single submitter. Criteria: Invitae Variant Classification Sherloc (09022015). Collection method: clinical testing. Allele origin: germline.

PreventionGenetics, part of Exact Sciences
Classification: Likely benign for EYS-related condition. Last evaluated: 2025-06-03. Review status: criteria provided, single submitter. Criteria: ACMG Guidelines, 2015. Collection method: clinical testing. Allele origin: germline.
Comment: This variant is classified as likely benign based on ACMG/AMP sequence variant interpretation guidelines (Richards et al. 2015 PMID: 25741868, with internal and published modifications).

Blueprint Genetics
Classification: Likely benign. Last evaluated: 2024-07-18. Review status: criteria provided, single submitter. Criteria: ACMG Guidelines, 2015. Collection method: clinical testing. Allele origin: germline.

Natera, Inc.
Classification: Likely benign for Retinitis pigmentosa type 25. Last evaluated: 2020-10-14. Review status: no assertion criteria provided. Collection method: clinical testing. Allele origin: germline. Not counted in ClinVar's aggregate classification.

NM_001142800.2(EYS):c.748+6A>T

Gene: EYS (EGF-like photoreceptor maintenance factor; minus strand). Cytogenetic location: 6q12.
Variant type: single nucleotide variant.
Coding change: c.748+6A>T on transcript NM_001142800.2 (MANE Select); 6 bases into the intron after coding-DNA position 748, A replaced by T.
Molecular consequence: intron variant.
Genome position (GRCh38, 1-based): chr6:65,494,657, T>A on the plus strand (A>T on the coding strand, the complement: EYS is on the minus strand). VCF-style: chr6-65494657-T-A. GRCh37 (hg19) VCF-style: chr6-66204550-T-A.
Other names: c.748+6A>T (NM_001292009.2, NM_001142801.2, NM_198283.2).
Identifiers: ClinVar variation 737220 (VCV000737220.15), dbSNP rs373742788, ClinGen allele CA3878023.